The following is an entry in ClinVar:

ClinVar aggregate classification (germline): Uncertain significance. Review status: criteria provided, multiple submitters, no conflicts (2 of 4 stars). 3 submissions from 3 submitters: Uncertain significance (3). Last evaluated 2025-02-14.

Conditions:
Inborn genetic diseases. Identifiers: MedGen C0950123, MeSH D030342.

Submissions (3):

Ambry Genetics
Classification: Uncertain significance for Inborn genetic diseases. Last evaluated: 2025-02-14. Review status: criteria provided, single submitter. Criteria: Ambry Variant Classification Scheme 2023. Collection method: clinical testing. Allele origin: germline.
Comment: The p.D29N variant (also known as c.85G>A), located in coding exon 1 of the SAMD9 gene, results from a G to A substitution at nucleotide position 85. The aspartic acid at codon 29 is replaced by asparagine, an amino acid with highly similar properties. This amino acid position is conserved. In addition, this alteration is predicted to be tolerated by in silico analysis. Based on the available evidence, the clinical significance of this variant remains unclear.

Labcorp Genetics (formerly Invitae), Labcorp
Classification: Uncertain significance. Last evaluated: 2022-12-19. Review status: criteria provided, single submitter. Criteria: Invitae Variant Classification Sherloc (09022015). Collection method: clinical testing. Allele origin: germline.
Comment: In summary, the available evidence is currently insufficient to determine the role of this variant in disease. Therefore, it has been classified as a Variant of Uncertain Significance. Advanced modeling of protein sequence and biophysical properties (such as structural, functional, and spatial information, amino acid conservation, physicochemical variation, residue mobility, and thermodynamic stability) performed at Invitae indicates that this missense variant is not expected to disrupt SAMD9 protein function. This variant has not been reported in the literature in individuals affected with SAMD9-related conditions. This variant is not present in population databases (gnomAD no frequency). This sequence change replaces aspartic acid, which is acidic and polar, with asparagine, which is neutral and polar, at codon 29 of the SAMD9 protein (p.Asp29Asn).

GeneDx
Classification: Uncertain significance. Last evaluated: 2022-07-14. Review status: criteria provided, single submitter. Criteria: GeneDx Variant Classification Process June 2021. Collection method: clinical testing. Allele origin: germline. Affected: yes.
Comment: Not observed at significant frequency in large population cohorts (gnomAD); In silico analysis supports that this missense variant does not alter protein structure/function; Has not been previously published as pathogenic or benign to our knowledge

NM_017654.4(SAMD9):c.85G>A (p.Asp29Asn)

Gene: SAMD9 (sterile alpha motif domain containing 9; minus strand). Cytogenetic location: 7q21.2.
Variant type: single nucleotide variant.
Coding change: c.85G>A on transcript NM_017654.4 (MANE Select); coding-DNA position 85, G replaced by A.
Protein change: p.Asp29Asn; replaces aspartic acid 29 with asparagine.
Molecular consequence: missense variant.
Genome position (GRCh38, 1-based): chr7:93,106,013, C>T on the plus strand (G>A on the coding strand, the complement: SAMD9 is on the minus strand). VCF-style: chr7-93106013-C-T. GRCh37 (hg19) VCF-style: chr7-92735326-C-T.
Other names: c.85G>A, p.Asp29Asn (NM_001193307.2); short protein forms D29N.
Identifiers: ClinVar variation 1878875 (VCV001878875.5), dbSNP rs2535364449, ClinGen allele CA368206297.
Genomic context (GRCh38, chr7:93,106,013, plus strand): 5'-ACCACTTCAAGACTGCTCCATTCACGTCTTGTTCAGTCAAAATTTCCCTGTGTTTTTGGT[C>T]AATCTTATGACTTTCTAACCACTGATTTACATCCTCTTTTGTCCAATCATCTGTATTTTC-3'
Protein context (NP_060124.2, residues 19-39): VNQWLESHKI[Asp29Asn]QKHREILTEQ